The following is an entry in ClinVar:

NM_004329.3(BMPR1A):c.1385C>G (p.Pro462Arg)

Gene: BMPR1A (bone morphogenetic protein receptor type 1A; plus strand). Cytogenetic location: 10q23.2.
Variant type: single nucleotide variant.
Coding change: c.1385C>G on transcript NM_004329.3 (MANE Select); coding-DNA position 1385, C replaced by G.
Protein change: p.Pro462Arg; replaces proline 462 with arginine.
Molecular consequence: missense variant.
Genome position (GRCh38, 1-based): chr10:86,923,418, C>G. VCF-style: chr10-86923418-C-G. GRCh37 (hg19) VCF-style: chr10-88683175-C-G.
Other names: short protein forms P462R.
Identifiers: ClinVar variation 1505364 (VCV001505364.9), dbSNP rs1418504897, ClinGen allele CA377462822.

ClinVar aggregate classification (germline): Uncertain significance. Review status: criteria provided, multiple submitters, no conflicts (2 of 4 stars). 3 submissions from 3 submitters: Uncertain significance (3). Last evaluated 2025-05-15.

Conditions:
Hereditary cancer-predisposing syndrome. Also called: Tumor predisposition; Hereditary neoplastic syndrome; Neoplastic Syndromes, Hereditary; Hereditary Cancer Syndrome. Identifiers: Orphanet 140162, MedGen C0027672, MeSH D009386, MONDO:0015356.
Juvenile polyposis syndrome (JPS). Identifiers: Orphanet 2929, MedGen C0345893, MONDO:0017380, OMIM 174900.

Submissions (3):

Ambry Genetics
Classification: Uncertain significance for Hereditary cancer-predisposing syndrome. Last evaluated: 2025-05-15. Review status: criteria provided, single submitter. Criteria: Ambry Variant Classification Scheme 2023. Collection method: clinical testing. Allele origin: germline.
Comment: The p.P462R variant (also known as c.1385C>G), located in coding exon 10 of the BMPR1A gene, results from a C to G substitution at nucleotide position 1385. The proline at codon 462 is replaced by arginine, an amino acid with dissimilar properties. This amino acid position is highly conserved in available vertebrate species. In addition, this alteration is predicted to be deleterious by in silico analysis. Based on the available evidence, the clinical significance of this variant remains unclear.

Color Diagnostics, LLC DBA Color Health
Classification: Uncertain significance for Hereditary cancer-predisposing syndrome. Last evaluated: 2025-04-14. Review status: criteria provided, single submitter. Criteria: ACMG Guidelines, 2015. Collection method: clinical testing. Allele origin: germline.
Comment: This missense variant replaces proline with arginine at codon 462 of the BMPR1A protein. Computational prediction suggests that this variant may have deleterious impact on protein structure and function. To our knowledge, functional studies have not been reported for this variant. This variant has not been reported in individuals affected with BMPR1A-related disorders in the literature. This variant has not been identified in the general population by the Genome Aggregation Database (gnomAD). The available evidence is insufficient to determine the role of this variant in disease conclusively. Therefore, this variant is classified as a Variant of Uncertain Significance.

Labcorp Genetics (formerly Invitae), Labcorp
Classification: Uncertain significance for Juvenile polyposis syndrome. Last evaluated: 2023-07-17. Review status: criteria provided, single submitter. Criteria: Invitae Variant Classification Sherloc (09022015). Collection method: clinical testing. Allele origin: germline.
Comment: This variant has not been reported in the literature in individuals affected with BMPR1A-related conditions. This variant is not present in population databases (gnomAD no frequency). This sequence change replaces proline, which is neutral and non-polar, with arginine, which is basic and polar, at codon 462 of the BMPR1A protein (p.Pro462Arg). ClinVar contains an entry for this variant (Variation ID: 1505364). In summary, the available evidence is currently insufficient to determine the role of this variant in disease. Therefore, it has been classified as a Variant of Uncertain Significance. Advanced modeling of protein sequence and biophysical properties (such as structural, functional, and spatial information, amino acid conservation, physicochemical variation, residue mobility, and thermodynamic stability) has been performed at Invitae for this missense variant, however the output from this modeling did not meet the statistical confidence thresholds required to predict the impact of this variant on BMPR1A protein function.